The following is an entry in ClinVar:

ClinVar aggregate classification (germline): Conflicting classifications of pathogenicity. Review status: criteria provided, conflicting classifications (1 of 4 stars). 3 submissions from 3 submitters: Likely pathogenic (1); Uncertain significance (1). 1 of the submissions does not count toward it. Last evaluated 2025-12-29.

Conditions:
Autosomal recessive polycystic kidney disease (ARPKD). Also called: AR polycystic kidney disease. Identifiers: Orphanet 731, Orphanet 8378, MedGen C0085548, MeSH D017044, MONDO:0009889.
Polycystic kidney disease 4 (PKD4). Also called: POLYCYSTIC KIDNEY DISEASE 4 WITH OR WITHOUT POLYCYSTIC LIVER DISEASE; POLYCYSTIC KIDNEY AND HEPATIC DISEASE 1; POLYCYSTIC KIDNEY DISEASE, INFANTILE, TYPE I; PKD3; Autosomal Recessive Polycystic Kidney Disease – PKHD1. Identifiers: MedGen C4540575, MONDO:0033004, OMIM 263200.
PKHD1-related disorder. Also called: PKHD1-related condition.

Allele frequency attached by ClinVar (database versions not stated): ExAC 0.00001; gnomAD 0.00001; TOPMed 0.00001.
gnomAD v4.1: 2 of 1,589,254 alleles (0.00013%); highest among the groups gnomAD compares: Non-Finnish European, 0.00017%; no homozygotes.

Submissions (3):

Natera, Inc.
Classification: Likely pathogenic for Autosomal recessive polycystic kidney disease. Last evaluated: 2025-12-29. Review status: criteria provided, single submitter. Criteria: Natera Variant Classification Schema (03/2026). Collection method: clinical testing. Allele origin: germline.
Comment: The c.6332+3A>C variant in PKHD1 is an intronic variant located outside the canonical splice sites. This variant is rare in the general population with a frequency below the threshold expected for the associated phenotype(s). This variant has been observed in one or more individuals affected with the associated recessive disease, as either homozygous or compound heterozygous with a second variant (PMID: 33940108). Functional studies show that this variant may disrupt protein function (PMID: 39521997). Computational prediction algorithms indicate this variant is likely to affect gene or protein function. Given the available evidence, this variant is classified as Likely Pathogenic.

MGZ Medical Genetics Center
Classification: Uncertain significance for Polycystic kidney disease 4. Last evaluated: 2021-08-12. Review status: criteria provided, single submitter. Criteria: ACMG Guidelines, 2015. Collection method: clinical testing. Allele origin: germline. Affected: yes. Observed: 1 variant allele.
Comment: ACMG criteria applied: PM2_SUP, PP3

PreventionGenetics, part of Exact Sciences
Classification: Likely pathogenic for PKHD1-related condition. Last evaluated: 2024-09-27. Review status: no assertion criteria provided. Collection method: clinical testing. Allele origin: germline. Not counted in ClinVar's aggregate classification.
Comment: The PKHD1 c.6332+3A>C variant is predicted to interfere with splicing. This variant is predicted to significantly weaken the nearby normal splice donor site signal (Alamut Visual Plus v1.6.1 and Splice AI, Jaganathan et al. 2019. PubMed ID: 30661751). This variant was reported in the compound heterozygous status with a likely pathogenic missense variant c.5221G>A (p.Val1741Met) in an individual with autosomal recessive polycystic kidney disease (ARPKD) (Supplementary Table S3 and S4 of Burgmaier et al. 2021. PubMed ID: 33940108). This variant is reported in 0.00088% of alleles in individuals of European (Non-Finnish) descent in gnomAD. In summary, this variant is interpreted as likely pathogenic.

Literature cited by the submitters: PubMed 33940108 (cited by Natera, Inc.); PubMed 39521997 (cited by Natera, Inc.).

NM_138694.4(PKHD1):c.6332+3A>C

Gene: PKHD1 (PKHD1 ciliary IPT domain containing fibrocystin/polyductin; minus strand). Cytogenetic location: 6p12.2.
Variant type: single nucleotide variant.
Coding change: c.6332+3A>C on transcript NM_138694.4 (MANE Select); 3 bases into the intron after coding-DNA position 6332, A replaced by C.
Molecular consequence: intron variant.
Genome position (GRCh38, 1-based): chr6:51,912,363, T>G on the plus strand (A>C on the coding strand, the complement: PKHD1 is on the minus strand). VCF-style: chr6-51912363-T-G. GRCh37 (hg19) VCF-style: chr6-51777161-T-G.
Other names: c.6332+3A>C (NM_170724.3, NM_138694.3).
Identifiers: ClinVar variation 1709895 (VCV001709895.4), dbSNP rs753187127, ClinGen allele CA3852298.